The following is an entry in ClinVar:

NM_000642.3(AGL):c.1413_1416del (p.Phe471fs)

Gene: AGL (amylo-alpha-1,6-glucosidase and 4-alpha-glucanotransferase; plus strand). Cytogenetic location: 1p21.2.
Variant type: Deletion.
Coding change: c.1413_1416del on transcript NM_000642.3 (MANE Select); coding-DNA positions 1413 to 1416, 4 bases deleted (TGCT; older notation c.1413_1416delTGCT).
Protein change: p.Phe471fs; shifts the reading frame from phenylalanine 471.
Molecular consequence: frameshift variant.
Genome position (GRCh38, 1-based): chr1:99,876,587-99,876,590, TGCT deleted; deleting any 4 consecutive bases within chr1:99,876,586-99,876,590 gives the same sequence; the c. name uses the placement nearest the transcript's 3' end. VCF-style (leftmost placement, unchanged base first): chr1-99876585-TTTGC-T. GRCh37 (hg19) VCF-style: chr1-100342141-TTTGC-T.
Other names: c.1413_1416delTGCT, p.Phe471Leufs (NM_000028.3, NM_000643.3, NM_000644.3 and 2 more transcripts); c.1365_1368delTGCT, p.Phe455Leufs (NM_000646.3); c.1212_1215delTGCT, p.Phe404Leufs (NM_001425327.1); c.1209_1212delTGCT, p.Phe403Leufs (NM_001425328.1, NM_001425329.1); c.1035_1038delTGCT, p.Phe345Leufs (NM_001425332.1); short protein forms F455fs, F471fs.
Identifiers: ClinVar variation 2891903 (VCV002891903.3), dbSNP rs2524612238, ClinGen allele CA2739272715.
Genomic context (GRCh38, chr1:99,876,585, plus strand): 5'-AAAGCTTGTTTTCTGATGGCACACAATGGATGGGTAATGGGAGATGATCCTCTTCGAAAC[TTTGC>T]TGAACCGGGTATGTAATTTTTAACTTCTCTGTGGATGGGGAAAGAATAGTTCATGGCAAG-3'

ClinVar aggregate classification (germline): Pathogenic (1 of 4 stars; one submission).

Conditions:
Glycogen storage disease type III (GSD3). Also called: Cori disease; FORBES DISEASE. Identifiers: Orphanet 366, MedGen C0017922, MONDO:0009291, OMIM 232400.

Submission:

Labcorp Genetics (formerly Invitae), Labcorp
Classification: Pathogenic for Glycogen storage disease type III. Last evaluated: 2023-04-22. Review status: criteria provided, single submitter. Criteria: Invitae Variant Classification Sherloc (09022015). Collection method: clinical testing. Allele origin: germline.
Comment: This variant has not been reported in the literature in individuals affected with AGL-related conditions. For these reasons, this variant has been classified as Pathogenic. This variant is not present in population databases (gnomAD no frequency). This sequence change creates a premature translational stop signal (p.Phe471Leufs*9) in the AGL gene. It is expected to result in an absent or disrupted protein product. Loss-of-function variants in AGL are known to be pathogenic (PMID: 19299494).

Literature cited by the submitters: PubMed 19299494.